The following is an entry in ClinVar:

NM_000390.4(CHM):c.117-546_126delinsAA

Gene: CHM (CHM Rab escort protein; minus strand). Cytogenetic location: Xq21.2.
Variant type: Indel.
Coding change: c.117-546_126delinsAA on transcript NM_000390.4 (MANE Select); 546 bases into the intron before coding-DNA position 117 through coding-DNA position 126, the reference bases replaced by AA.
Molecular consequence: splice acceptor variant.
Genome position (GRCh38, 1-based): chrX:85,981,800-85,982,355, 556 bases replaced. GRCh37 (hg19): chrX:85,236,804-85,237,359.
Other names: c.-324-546_-315delinsAA (NM_001362518.2, NM_001362519.1); c.117-546_126delinsAA (NM_001145414.4); c.-328-546_-319delinsAA (NM_001362517.1, NM_001320959.1).
Identifiers: ClinVar variation 4819496 (VCV004819496.1).

ClinVar aggregate classification (germline): Pathogenic (1 of 4 stars; one submission).

Conditions:
Choroideremia. Also called: Chorioretinal scalloped atrophy. Identifiers: Orphanet 180, MedGen C0008525, MONDO:0010557, OMIM 303100, HP:0001139.

Submission:

North West Genomic Laboratory Hub, Manchester University NHS Foundation Trust
Classification: Pathogenic for Choroideremia. Last evaluated: 2025-07-24. Review status: criteria provided, single submitter. Criteria: ACGS Best Practice Guidelines for Variant Classification in Rare Disease 2024. Collection method: clinical testing. Allele origin: germline. Affected: yes.
Comment: PVS1_VStr PM2_Mod